The following is an entry in ClinVar:

NM_005461.5(MAFB):c.542A>T (p.Gln181Leu)

Gene: MAFB (MAF bZIP transcription factor B; minus strand). Cytogenetic location: 20q12.
Variant type: single nucleotide variant.
Coding change: c.542A>T on transcript NM_005461.5 (MANE Select); coding-DNA position 542, A replaced by T.
Protein change: p.Gln181Leu; replaces glutamine 181 with leucine.
Molecular consequence: missense variant.
Genome position (GRCh38, 1-based): chr20:40,688,309, T>A on the plus strand (A>T on the coding strand, the complement: MAFB is on the minus strand). VCF-style: chr20-40688309-T-A. GRCh37 (hg19) VCF-style: chr20-39316949-T-A.
Other names: c.542A>T (NM_005461.4); short protein forms Q181L.
Identifiers: ClinVar variation 1660438 (VCV001660438.10), dbSNP rs776350709, ClinGen allele CA9857775.

ClinVar aggregate classification (germline): Benign/Likely benign. Review status: criteria provided, multiple submitters, no conflicts (2 of 4 stars). 3 submissions from 3 submitters: Benign (1); Likely benign (2). Last evaluated 2026-03-05.

Conditions:
MAFB-related disorder. Also called: MAFB-related condition.
Duane retraction syndrome 3 with or without deafness (DURS3). Also called: Duane syndrome type 3; DUANE RETRACTION SYNDROME 3. Identifiers: Orphanet 233, MedGen C4310752, MONDO:0014880, OMIM 617041.
Multicentric carpo-tarsal osteolysis with or without nephropathy. Also called: MULTICENTRIC OSTEOLYSIS, AUTOSOMAL DOMINANT; Multicentric Osteolysis of Carpal Bones and Nephropathy; OSTEOLYSIS, HEREDITARY, OF CARPAL BONES WITH OR WITHOUT NEPHROPATHY; MULTICENTRIC CARPOTARSAL OSTEOLYSIS SYNDROME; Multicentric Carpotarsal Osteolysis with or without Nephropathy; Carnevale Canun Mendoza syndrome. Identifiers: Orphanet 2774, MedGen C2674705, MONDO:0008152, OMIM 166300.

Allele frequency attached by ClinVar (database versions not stated): gnomAD 0.00005; gnomAD exomes 0.00007 and 0.00019; ExAC 0.00049.
gnomAD v4.1: 111 of 1,518,878 alleles (0.0073%); highest among the groups gnomAD compares: South Asian, 0.13%; 2 homozygotes.

Submissions (3):

PreventionGenetics, part of Exact Sciences
Classification: Likely benign for MAFB-related condition. Last evaluated: 2026-03-05. Review status: criteria provided, single submitter. Criteria: ACMG Guidelines, 2015. Collection method: clinical testing. Allele origin: germline.
Comment: This variant is classified as likely benign based on ACMG/AMP sequence variant interpretation guidelines (Richards et al. 2015 PMID: 25741868, with internal and published modifications).

Labcorp Genetics (formerly Invitae), Labcorp
Classification: Benign. Last evaluated: 2025-07-25. Review status: criteria provided, single submitter. Criteria: Invitae Variant Classification Sherloc (09022015). Collection method: clinical testing. Allele origin: germline.

Fulgent Genetics
Classification: Likely benign for Multicentric carpo-tarsal osteolysis with or without nephropathy; Duane retraction syndrome 3 with or without deafness. Last evaluated: 2021-11-05. Review status: criteria provided, single submitter. Criteria: ACMG Guidelines, 2015. Collection method: clinical testing. Allele origin: unknown.